The following is an entry in ClinVar:

ClinVar aggregate classification (germline): Pathogenic. Review status: criteria provided, multiple submitters, no conflicts (2 of 4 stars). 2 submissions from 2 submitters: Pathogenic (2). Last evaluated 2026-05-05.

Conditions:
Charlevoix-Saguenay spastic ataxia (SACS). Also called: Spastic ataxia of Charlevoix-Saguenay; SPASTIC ATAXIA 6, AUTOSOMAL RECESSIVE; AUTOSOMAL RECESSIVE SPASTIC ATAXIA OF CHARLEVOIX-SAGUENAY. Identifiers: Orphanet 98, MedGen C1849140, MONDO:0010041, OMIM 270550.

Submissions (2):

Myriad Genetics, Inc.
Classification: Pathogenic for Charlevoix-Saguenay spastic ataxia. Last evaluated: 2026-05-05. Review status: criteria provided, single submitter. Criteria: Myriad Autosomal Dominant, Autosomal Recessive and X-Linked Classification Criteria (2023). Collection method: clinical testing. Allele origin: unknown.
Comment: NM_014363.4(SACS):c.4060C>T(Q1354*) is a nonsense variant classified as pathogenic in the context of autosomal recessive spastic ataxia of Charlevoix-Saguenay. Q1354* has been observed in a case with relevant disease (PMID: 22816526). Relevant functional assessments of this variant are not available in the literature. Q1354* has not been observed in referenced population frequency databases. In summary, NM_014363.4(SACS):c.4060C>T(Q1354*) is a nonsense variant in a gene where loss of function is a known mechanism of disease, is predicted to disrupt protein function, and has been observed more frequently in cases with the relevant disease than in healthy populations. Please note: this variant was assessed in the context of healthy population screening.

PROSPAX: an integrated multimodal progression  chart in spastic ataxias, Center for Neurology; Hertie-Institute for Clinical Brain Research
Classification: Pathogenic for Charlevoix-Saguenay spastic ataxia. Last evaluated: 2022-01-01. Review status: criteria provided, single submitter. Criteria: ACMG Guidelines, 2015. Collection method: research. Allele origin: germline. Affected: yes. Observed: 1 variant allele, 1 compound heterozygote.

Literature cited by the submitters: PubMed 22816526 (cited by Myriad Genetics, Inc.).

NM_014363.6(SACS):c.4060C>T (p.Gln1354Ter)

Gene: SACS (sacsin molecular chaperone; minus strand). Cytogenetic location: 13q12.12.
Variant type: single nucleotide variant.
Coding change: c.4060C>T on transcript NM_014363.6 (MANE Select); coding-DNA position 4060, C replaced by T.
Protein change: p.Gln1354Ter; replaces glutamine 1354 with a stop codon.
Molecular consequence: nonsense.
Genome position (GRCh38, 1-based): chr13:23,339,816, G>A on the plus strand (C>T on the coding strand, the complement: SACS is on the minus strand). VCF-style: chr13-23339816-G-A. GRCh37 (hg19) VCF-style: chr13-23913955-G-A.
Other names: c.3619C>T, p.Gln1207Ter (NM_001278055.2); short protein forms Q1207*, Q1354*.
Identifiers: ClinVar variation 3236313 (VCV003236313.2).
Genomic context (GRCh38, chr13:23,339,816, plus strand): 5'-TTGCTGGAATCTGATTGCTATACAGCCATCTGATAATATTCAACATAAGATGAAGATTTT[G>A]TTTGCTTTCTTGTTCACTGAGATCTTGGTCACTTTTGAGATATATCTTCTGAATAACCAT-3'